The following is an entry in ClinVar:

ClinVar aggregate classification (germline): Uncertain significance (1 of 4 stars; one submission).

Submission:

GeneDx
Classification: Uncertain significance. Last evaluated: 2024-05-09. Review status: criteria provided, single submitter. Criteria: GeneDx Variant Classification Process June 2021. Collection method: clinical testing. Allele origin: germline. Affected: yes.
Comment: Not observed at significant frequency in large population cohorts (gnomAD); In silico analysis indicates that this missense variant does not alter protein structure/function; Has not been previously published as pathogenic or benign to our knowledge; Reported using an alternate transcript of the gene

NM_002055.5(GFAP):c.1171+475G>A

Gene: GFAP (glial fibrillary acidic protein; minus strand). Cytogenetic location: 17q21.31.
Variant type: single nucleotide variant.
Coding change: c.1171+475G>A on transcript NM_002055.5 (MANE Select); 475 bases into the intron after coding-DNA position 1171, G replaced by A.
Molecular consequence: intron variant. On other transcripts: missense variant (1), 3 prime UTR variant (1), splice donor variant (1).
Genome position (GRCh38, 1-based): chr17:44,910,140, C>T on the plus strand (G>A on the coding strand, the complement: GFAP is on the minus strand). VCF-style: chr17-44910140-C-T. GRCh37 (hg19) VCF-style: chr17-42987508-C-T.
Other names: c.1292G>A, p.Gly431Asp (NM_001131019.3); c.*329G>A (NM_001242376.3); c.1291+1G>A (NM_001363846.2); short protein forms G431D.
Identifiers: ClinVar variation 3375676 (VCV003375676.1).